The following is an entry in ClinVar:

ClinVar aggregate classification (germline): Uncertain significance. Review status: criteria provided, multiple submitters, no conflicts (2 of 4 stars). 4 submissions from 4 submitters: Uncertain significance (3). 1 of the submissions does not count toward it. Last evaluated 2025-09-25.

Conditions:
TCIRG1-related disorder. Also called: TCIRG1-related condition.
Inborn genetic diseases. Identifiers: MedGen C0950123, MeSH D030342.
Autosomal recessive osteopetrosis 1. Also called: ALBERS-SCHONBERG DISEASE, AUTOSOMAL RECESSIVE; TCIRG1-Related Autosomal Recessive Osteopetrosis; TCIRG1-Related Osteopetrosis. Identifiers: Orphanet 667, MedGen C1850127, MONDO:0009815, OMIM 259700.

Allele frequency attached by ClinVar (database versions not stated): TOPMed 0.00003.
gnomAD v4.1: 44 of 1,612,706 alleles (0.0027%); highest among the groups gnomAD compares: African/African-American, 0.0067%; no homozygotes.

Submissions (4):

Ambry Genetics
Classification: Uncertain significance for Inborn genetic diseases. Last evaluated: 2025-09-25. Review status: criteria provided, single submitter. Criteria: Ambry Variant Classification Scheme 2023. Collection method: clinical testing. Allele origin: germline.

Labcorp Genetics (formerly Invitae), Labcorp
Classification: Uncertain significance. Last evaluated: 2024-04-26. Review status: criteria provided, single submitter. Criteria: Invitae Variant Classification Sherloc (09022015). Collection method: clinical testing. Allele origin: germline.
Comment: This sequence change replaces arginine, which is basic and polar, with glutamine, which is neutral and polar, at codon 6 of the TCIRG1 protein (p.Arg6Gln). This variant is present in population databases (rs768203698, gnomAD 0.02%). This variant has not been reported in the literature in individuals affected with TCIRG1-related conditions. ClinVar contains an entry for this variant (Variation ID: 990508). Advanced modeling of protein sequence and biophysical properties (such as structural, functional, and spatial information, amino acid conservation, physicochemical variation, residue mobility, and thermodynamic stability) performed at Invitae indicates that this missense variant is expected to disrupt TCIRG1 protein function with a positive predictive value of 80%. In summary, the available evidence is currently insufficient to determine the role of this variant in disease. Therefore, it has been classified as a Variant of Uncertain Significance.

PreventionGenetics, part of Exact Sciences
Classification: Uncertain significance for TCIRG1-related condition. Last evaluated: 2023-08-21. Review status: criteria provided, single submitter. Criteria: ACMG Guidelines, 2015. Collection method: clinical testing. Allele origin: germline.
Comment: The TCIRG1 c.17G>A variant is predicted to result in the amino acid substitution p.Arg6Gln. To our knowledge, this variant has not been reported in the literature. This variant is reported in 0.019% of alleles in individuals of African descent in gnomAD. At this time, the clinical significance of this variant is uncertain due to the absence of conclusive functional and genetic evidence.

Natera, Inc.
Classification: Uncertain significance for Infantile malignant osteopetrosis. Last evaluated: 2020-08-14. Review status: no assertion criteria provided. Collection method: clinical testing. Allele origin: germline. Not counted in ClinVar's aggregate classification.

NM_006019.4(TCIRG1):c.17G>A (p.Arg6Gln)

Gene: TCIRG1 (T cell immune regulator 1, ATPase H+ transporting V0 subunit a3; plus strand). Cytogenetic location: 11q13.2.
Variant type: single nucleotide variant.
Coding change: c.17G>A on transcript NM_006019.4 (MANE Select); coding-DNA position 17, G replaced by A.
Protein change: p.Arg6Gln; replaces arginine 6 with glutamine.
Molecular consequence: missense variant. On other transcripts: 5 prime UTR variant (1).
Genome position (GRCh38, 1-based): chr11:68,041,288, G>A. VCF-style: chr11-68041288-G-A. GRCh37 (hg19) VCF-style: chr11-67808755-G-A.
Other names: c.-1233G>A (NM_001351059.2); c.17G>A (NM_006019.3); short protein forms R6Q.
Identifiers: ClinVar variation 990508 (VCV000990508.6), dbSNP rs768203698, ClinGen allele CA6146611.